The following is an entry in ClinVar:

ClinVar aggregate classification (germline): Uncertain significance. Review status: criteria provided, multiple submitters, no conflicts (2 of 4 stars). 3 submissions from 3 submitters: Uncertain significance (3). Last evaluated 2025-03-26.

Conditions:
Inborn genetic diseases. Identifiers: MedGen C0950123, MeSH D030342.

Allele frequency attached by ClinVar (database versions not stated): ExAC 0.00001; gnomAD 0.00002; gnomAD exomes 0.00002; TOPMed 0.00002; ESP Exome Variant Server 0.00015.
gnomAD v4.1: 27 of 1,614,088 alleles (0.0017%); highest among the groups gnomAD compares: Non-Finnish European, 0.0023%; no homozygotes.

Submissions (3):

Ambry Genetics
Classification: Uncertain significance for Inborn genetic diseases. Last evaluated: 2025-03-26. Review status: criteria provided, single submitter. Criteria: Ambry Variant Classification Scheme 2023. Collection method: clinical testing. Allele origin: germline.

Labcorp Genetics (formerly Invitae), Labcorp
Classification: Uncertain significance. Last evaluated: 2025-03-01. Review status: criteria provided, single submitter. Criteria: Invitae Variant Classification Sherloc (09022015). Collection method: clinical testing. Allele origin: germline.
Comment: This sequence change replaces proline, which is neutral and non-polar, with serine, which is neutral and polar, at codon 254 of the NLRP1 protein (p.Pro254Ser). This variant is present in population databases (rs374662800, gnomAD 0.002%). This variant has not been reported in the literature in individuals affected with NLRP1-related conditions. ClinVar contains an entry for this variant (Variation ID: 2146947). An algorithm developed to predict the effect of missense changes on protein structure and function (PolyPhen-2) suggests that this variant is likely to be tolerated. In summary, the available evidence is currently insufficient to determine the role of this variant in disease. Therefore, it has been classified as a Variant of Uncertain Significance.

GeneDx
Classification: Uncertain significance. Last evaluated: 2024-02-06. Review status: criteria provided, single submitter. Criteria: GeneDx Variant Classification Process June 2021. Collection method: clinical testing. Allele origin: germline. Affected: yes.
Comment: Not observed at significant frequency in large population cohorts (gnomAD); In silico analysis supports that this missense variant does not alter protein structure/function; Has not been previously published as pathogenic or benign to our knowledge

NM_033004.4(NLRP1):c.760C>T (p.Pro254Ser)

Gene: NLRP1 (NLR family pyrin domain containing 1; minus strand). Cytogenetic location: 17p13.2.
Variant type: single nucleotide variant.
Coding change: c.760C>T on transcript NM_033004.4 (MANE Select); coding-DNA position 760, C replaced by T.
Protein change: p.Pro254Ser; replaces proline 254 with serine.
Molecular consequence: missense variant.
Genome position (GRCh38, 1-based): chr17:5,559,936, G>A on the plus strand (C>T on the coding strand, the complement: NLRP1 is on the minus strand). VCF-style: chr17-5559936-G-A. GRCh37 (hg19) VCF-style: chr17-5463256-G-A.
Other names: c.760C>T, p.Pro254Ser (NM_001033053.3, NM_014922.5, NM_033006.4 and 1 more transcripts); c.760C>T (NM_033004.3); short protein forms P254S.
Identifiers: ClinVar variation 2146947 (VCV002146947.6), dbSNP rs374662800, ClinGen allele CA8327490.